The following is an entry in ClinVar:

ClinVar aggregate classification (germline): Uncertain significance. Review status: criteria provided, multiple submitters, no conflicts (2 of 4 stars). 2 submissions from 2 submitters: Uncertain significance (2). Last evaluated 2025-06-01.

Allele frequency attached by ClinVar (database versions not stated): gnomAD exomes below 0.00001; ExAC 0.00001.

Submissions (2):

CeGaT Center for Human Genetics Tuebingen
Classification: Uncertain significance. Last evaluated: 2025-06-01. Review status: criteria provided, single submitter. Criteria: CeGaT Center For Human Genetics Tuebingen Variant Classification Criteria Version 2. Collection method: clinical testing. Allele origin: germline. Affected: yes. Observed: 1 variant allele.
Comment: STAG1: PP2

Labcorp Genetics (formerly Invitae), Labcorp
Classification: Uncertain significance. Last evaluated: 2022-07-23. Review status: criteria provided, single submitter. Criteria: Invitae Variant Classification Sherloc (09022015). Collection method: clinical testing. Allele origin: germline.
Comment: In summary, the available evidence is currently insufficient to determine the role of this variant in disease. Therefore, it has been classified as a Variant of Uncertain Significance. Advanced modeling of protein sequence and biophysical properties (such as structural, functional, and spatial information, amino acid conservation, physicochemical variation, residue mobility, and thermodynamic stability) performed at Invitae indicates that this missense variant is not expected to disrupt STAG1 protein function. This variant has not been reported in the literature in individuals affected with STAG1-related conditions. This variant is present in population databases (rs779955724, gnomAD 0.0009%). This sequence change replaces methionine, which is neutral and non-polar, with valine, which is neutral and non-polar, at codon 166 of the STAG1 protein (p.Met166Val).

NM_005862.3(STAG1):c.496A>G (p.Met166Val)

Gene: STAG1 (STAG1 cohesin complex component; minus strand). Cytogenetic location: 3q22.3.
Variant type: single nucleotide variant.
Coding change: c.496A>G on transcript NM_005862.3 (MANE Select); coding-DNA position 496, A replaced by G.
Protein change: p.Met166Val; replaces methionine 166 with valine.
Molecular consequence: missense variant.
Genome position (GRCh38, 1-based): chr3:136,521,393, T>C on the plus strand (A>G on the coding strand, the complement: STAG1 is on the minus strand). VCF-style: chr3-136521393-T-C. GRCh37 (hg19) VCF-style: chr3-136240235-T-C.
Other names: short protein forms M166V.
Identifiers: ClinVar variation 2016896 (VCV002016896.14), dbSNP rs779955724, ClinGen allele CA2633164.